The following is an entry in ClinVar:

ClinVar aggregate classification (germline): Conflicting classifications of pathogenicity. Review status: criteria provided, conflicting classifications (1 of 4 stars). 2 submissions from 2 submitters: Uncertain significance (1); Likely benign (1). Last evaluated 2025-11-03.

Conditions:
Methylcobalamin deficiency type cblG (HMAG). Also called: Functional methionine synthase deficiency type cblG; HOMOCYSTINURIA-MEGALOBLASTIC ANEMIA, cblG COMPLEMENTATION TYPE; HOMOCYSTINURIA-MEGALOBLASTIC ANEMIA, cblG TYPE; HOMOCYSTINURIA-MEGALOBLASTIC ANEMIA DUE TO DEFECT IN COBALAMIN METABOLISM, cblG COMPLEMENTATION TYPE. Identifiers: Orphanet 2170, Orphanet 622, MedGen C1855128, MONDO:0009609, OMIM 250940.

Allele frequency attached by ClinVar (database versions not stated): gnomAD exomes 0.00003 and 0.00006; ExAC 0.00007; TOPMed 0.00028; gnomAD 0.00029 and 0.00034; 1000 Genomes Project 30x 0.00031; ESP Exome Variant Server 0.00038; 1000 Genomes Project 0.00040.
gnomAD v4.1: 96 of 1,613,900 alleles (0.0059%); highest among the groups gnomAD compares: African/African-American, 0.11%; no homozygotes.

Submissions (2):

Labcorp Genetics (formerly Invitae), Labcorp
Classification: Uncertain significance for Methylcobalamin deficiency type cblG. Last evaluated: 2025-11-03. Review status: criteria provided, single submitter. Criteria: Invitae Variant Classification Sherloc (09022015). Collection method: clinical testing. Allele origin: germline.
Comment: This sequence change falls in intron 18 of the MTR gene. It does not directly change the encoded amino acid sequence of the MTR protein. It affects a nucleotide within the consensus splice site. This variant is present in population databases (rs147410975, gnomAD 0.09%). This variant has not been reported in the literature in individuals affected with MTR-related conditions. ClinVar contains an entry for this variant (Variation ID: 507615). Variants that disrupt the consensus splice site are a relatively common cause of aberrant splicing (PMID: 17576681, 9536098). Algorithms developed to predict the effect of sequence changes on RNA splicing suggest that this variant is not likely to affect RNA splicing. In summary, the available evidence is currently insufficient to determine the role of this variant in disease. Therefore, it has been classified as a Variant of Uncertain Significance.

GeneDx
Classification: Likely benign. Last evaluated: 2017-03-06. Review status: criteria provided, single submitter. Criteria: GeneDx Variant Classification (06012015). Collection method: clinical testing. Allele origin: germline. Affected: yes.
Comment: This variant is considered likely benign or benign based on one or more of the following criteria: it is a conservative change, it occurs at a poorly conserved position in the protein, it is predicted to be benign by multiple in silico algorithms, and/or has population frequency not consistent with disease.

Literature cited by the submitters: PubMed 17576681 (cited by Labcorp Genetics (formerly Invitae), Labcorp); PubMed 9536098 (cited by Labcorp Genetics (formerly Invitae), Labcorp).

NM_000254.3(MTR):c.1953+6G>C

Gene: MTR (5-methyltetrahydrofolate-homocysteine methyltransferase; plus strand). Cytogenetic location: 1q43.
Variant type: single nucleotide variant.
Coding change: c.1953+6G>C on transcript NM_000254.3 (MANE Select); 6 bases into the intron after coding-DNA position 1953, G replaced by C.
Molecular consequence: intron variant.
Genome position (GRCh38, 1-based): chr1:236,853,094, G>C. VCF-style: chr1-236853094-G-C. GRCh37 (hg19) VCF-style: chr1-237016394-G-C.
Other names: c.1953+6G>C (NM_001291939.1); c.732+6G>C (NM_001291940.2).
Identifiers: ClinVar variation 507615 (VCV000507615.5), dbSNP rs147410975, ClinGen allele CA1474212.